The following is an entry in ClinVar:

ClinVar aggregate classification (germline): Uncertain significance (1 of 4 stars; one submission).

Conditions:
Jeune thoracic dystrophy. Also called: Infantile thoracic dystrophy; Thoracic pelvic phalangeal dystrophy; Jeune's syndrome; Chondroectodermal dysplasia-like syndrome; Short-rib thoracic dysplasia; Jeune syndrome. Identifiers: Orphanet 474, MedGen C0265275, MONDO:0018770.

gnomAD v4.1: 13 of 1,606,964 alleles (0.00081%); highest among the groups gnomAD compares: South Asian, 0.0045%; no homozygotes.

Submission:

Labcorp Genetics (formerly Invitae), Labcorp
Classification: Uncertain significance for Jeune thoracic dystrophy. Last evaluated: 2022-01-13. Review status: criteria provided, single submitter. Criteria: Invitae Variant Classification Sherloc (09022015). Collection method: clinical testing. Allele origin: germline.
Comment: This sequence change replaces arginine, which is basic and polar, with glutamine, which is neutral and polar, at codon 4214 of the DYNC2H1 protein (p.Arg4214Gln). The frequency data for this variant in the population databases is considered unreliable, as metrics indicate poor data quality at this position in the gnomAD database. This variant has not been reported in the literature in individuals affected with DYNC2H1-related conditions. Advanced modeling of protein sequence and biophysical properties (such as structural, functional, and spatial information, amino acid conservation, physicochemical variation, residue mobility, and thermodynamic stability) performed at Invitae indicates that this missense variant is not expected to disrupt DYNC2H1 protein function. Algorithms developed to predict the effect of sequence changes on RNA splicing suggest that this variant may create or strengthen a splice site. In summary, the available evidence is currently insufficient to determine the role of this variant in disease. Therefore, it has been classified as a Variant of Uncertain Significance.

NM_001377.3(DYNC2H1):c.12620G>A (p.Arg4207Gln)

Gene: DYNC2H1 (dynein cytoplasmic 2 heavy chain 1; plus strand). Cytogenetic location: 11q22.3.
Variant type: single nucleotide variant.
Coding change: c.12620G>A on transcript NM_001377.3 (MANE Select); coding-DNA position 12620, G replaced by A.
Protein change: p.Arg4207Gln; replaces arginine 4207 with glutamine.
Molecular consequence: missense variant.
Genome position (GRCh38, 1-based): chr11:103,456,328, G>A. VCF-style: chr11-103456328-G-A. GRCh37 (hg19) VCF-style: chr11-103327056-G-A.
Other names: c.12641G>A, p.Arg4214Gln (NM_001080463.2); short protein forms R4207Q, R4214Q.
Identifiers: ClinVar variation 2066052 (VCV002066052.1), dbSNP rs369586383, ClinGen allele CA6255622.
Genomic context (GRCh38, chr11:103,456,328, plus strand): 5'-TTTACAGGGCAGTGGGTCGTTCTGTGGATAGCCTTAAATTTGTAGCCTCATGGAAAGGTC[G>A]ACTGCAAGAAGCAAAGCTACAAATTAAGGTACTAGACTAATTTTAGATCTTGGAATCTCA-3'
Protein context (NP_001368.2, residues 4197-4217): SLKFVASWKG[Arg4207Gln]LQEAKLQIKI